The following is an entry in ClinVar:

ClinVar aggregate classification (germline): Uncertain significance (1 of 4 stars; one submission).

Conditions:
Cardiovascular phenotype. Identifiers: MedGen CN230736.

Submission:

Ambry Genetics
Classification: Uncertain significance for Cardiovascular phenotype. Last evaluated: 2026-07-24. Review status: criteria provided, single submitter. Criteria: Ambry Variant Classification Scheme 2023. Collection method: clinical testing. Allele origin: germline.
Comment: The p.K171E variant (also known as c.511A>G), located in coding exon 5 of the GPD1L gene, results from an A to G substitution at nucleotide position 511. The lysine at codon 171 is replaced by glutamic acid, an amino acid with similar properties. This amino acid position is conserved. In addition, the in silico prediction for this alteration is inconclusive. Based on the available evidence, the clinical significance of this variant remains unclear.

NM_015141.4(GPD1L):c.511A>G (p.Lys171Glu)

Gene: GPD1L (glycerol-3-phosphate dehydrogenase 1 like; plus strand). Cytogenetic location: 3p22.3.
Variant type: single nucleotide variant.
Coding change: c.511A>G on transcript NM_015141.4 (MANE Select); coding-DNA position 511, A replaced by G.
Protein change: p.Lys171Glu; replaces lysine 171 with glutamic acid.
Molecular consequence: missense variant.
Genome position (GRCh38, 1-based): chr3:32,146,627, A>G. VCF-style: chr3-32146627-A-G. GRCh37 (hg19) VCF-style: chr3-32188119-A-G.
Other names: short protein forms K171E.
Identifiers: ClinVar variation 5022486 (VCV005022486.1).
Genomic context (GRCh38, chr3:32,146,627, plus strand): 5'-GAAAATTAAGATTAGAGGCTGTTATTAATATCCTTGTTGTCTAACCTTTCAACAGGCAGC[A>G]AAGTAATGGAGAACGGCCTTCTCTTCAAAGAACTTCTGCAGACTCCAAATTTTCGAATTA-3'
Protein context (NP_055956.1, residues 161-181): EKFCETTIGS[Lys171Glu]VMENGLLFKE